The following is an entry in ClinVar:

ClinVar aggregate classification (germline): Likely benign (0 of 4 stars; one submission).

Conditions:
KIF5A-related disorder. Also called: KIF5A-related disorders; KIF5A-related condition.

Submission:

PreventionGenetics, part of Exact Sciences
Classification: Likely benign for KIF5A-related condition. Last evaluated: 2023-10-03. Review status: no assertion criteria provided. Collection method: clinical testing. Allele origin: germline.
Comment: This variant is classified as likely benign based on ACMG/AMP sequence variant interpretation guidelines (Richards et al. 2015 PMID: 25741868, with internal and published modifications).

NM_004984.4(KIF5A):c.1671T>C (p.Asp557=)

Gene: KIF5A (kinesin family member 5A; plus strand). Cytogenetic location: 12q13.3.
Variant type: single nucleotide variant.
Coding change: c.1671T>C on transcript NM_004984.4 (MANE Select); coding-DNA position 1671, T replaced by C.
Protein change: p.Asp557=; no amino-acid change (aspartic acid 557 retained).
Molecular consequence: synonymous variant.
Genome position (GRCh38, 1-based): chr12:57,572,681, T>C. VCF-style: chr12-57572681-T-C. GRCh37 (hg19) VCF-style: chr12-57966464-T-C.
Other names: c.1404T>C, p.Asp468= (NM_001354705.2).
Identifiers: ClinVar variation 3354574 (VCV003354574.1).